The following is an entry in ClinVar:

ClinVar aggregate classification (germline): Conflicting classifications of pathogenicity. Review status: criteria provided, conflicting classifications (1 of 4 stars). 2 submissions from 2 submitters: Uncertain significance (1); Likely benign (1). Last evaluated 2023-03-23.

Conditions:
Hereditary breast ovarian cancer syndrome. Also called: Hereditary breast and ovarian cancer; Hereditary breast and/or ovarian cancer syndrome; BRCA1- and BRCA2-Associated Hereditary Breast and Ovarian Cancer; Hereditary breast and ovarian cancer syndrome; Hereditary breast and ovarian cancer syndrome (HBOC); Breast and ovarian cancer. Identifiers: Orphanet 145, MedGen C0677776, MeSH D061325, MONDO:0003582. Disease mechanism: loss of function.
Hereditary cancer-predisposing syndrome. Also called: Tumor predisposition; Hereditary Cancer Syndrome; Hereditary neoplastic syndrome; Neoplastic Syndromes, Hereditary. Identifiers: Orphanet 140162, MedGen C0027672, MeSH D009386, MONDO:0015356.

Submissions (2):

University of Washington Department of Laboratory Medicine, University of Washington
Classification: Likely benign for Hereditary cancer-predisposing syndrome. Last evaluated: 2023-03-23. Review status: criteria provided, single submitter. Criteria: Dines et al. (Genet Med. 2020). Collection method: curation. Allele origin: germline.
Comment: Missense variant in a coldspot region where missense variants are very unlikely to be pathogenic (PMID:31911673).

BRCA2 exon 11 coldspot. Reclassification based on statistical prior probability.

Labcorp Genetics (formerly Invitae), Labcorp
Classification: Uncertain significance for Hereditary breast ovarian cancer syndrome. Last evaluated: 2016-11-15. Review status: criteria provided, single submitter. Criteria: Invitae Variant Classification Sherloc (09022015). Collection method: clinical testing. Allele origin: germline.
Comment: Algorithms developed to predict the effect of sequence changes on RNA splicing suggest that this variant may alter RNA splicing, but this prediction has not been confirmed by published transcriptional studies. This sequence change replaces glutamic acid with valine at codon 1276 of the BRCA2 protein (p.Glu1276Val). The glutamic acid residue is weakly conserved and there is a moderate physicochemical difference between glutamic acid and valine. This variant is not present in population databases (ExAC no frequency) and has not been reported in the literature in individuals with a BRCA2-related disease. Algorithms developed to predict the effect of missense changes on protein structure and function do not agree on the potential impact of this missense change (SIFT: "Tolerated"; PolyPhen-2: "Probably Damaging"; Align-GVGD: "Class C0"). In summary, this variant is a novel missense change with uncertain impact on protein function. It has been classified as a Variant of Uncertain Significance.

NM_000059.4(BRCA2):c.3827A>T (p.Glu1276Val)

Gene: BRCA2 (BRCA2 DNA repair associated; plus strand). Cytogenetic location: 13q13.1.
Variant type: single nucleotide variant.
Coding change: c.3827A>T on transcript NM_000059.4 (MANE Select); coding-DNA position 3827, A replaced by T.
Protein change: p.Glu1276Val; replaces glutamic acid 1276 with valine.
Molecular consequence: missense variant.
Genome position (GRCh38, 1-based): chr13:32,338,182, A>T. VCF-style: chr13-32338182-A-T. GRCh37 (hg19) VCF-style: chr13-32912319-A-T.
Other names: short protein forms E1276V.
Identifiers: ClinVar variation 409594 (VCV000409594.10), dbSNP rs1060502487, ClinGen allele CA16613956.